The following is an entry in ClinVar:

ClinVar aggregate classification (germline): Likely benign (1 of 4 stars; one submission).

Allele frequency attached by ClinVar (database versions not stated): gnomAD 0.00003; ExAC 0.00011.
gnomAD v4.1: 82 of 1,517,710 alleles (0.0054%); highest among the groups gnomAD compares: South Asian, 0.1%; no homozygotes.

Submission:

CeGaT Center for Human Genetics Tuebingen
Classification: Likely benign. Last evaluated: 2023-02-01. Review status: criteria provided, single submitter. Criteria: CeGaT Center For Human Genetics Tuebingen Variant Classification Criteria Version 2. Collection method: clinical testing. Allele origin: germline. Affected: yes. Observed: 1 variant allele.
Comment: MUC3A: BP4, BP7

NM_005960.2(MUC3A):c.8304C>T (p.Pro2768=)

Gene: MUC3A (mucin 3A, cell surface associated; plus strand). Cytogenetic location: 7q22.1.
Variant type: single nucleotide variant.
Coding change: c.8304C>T on transcript NM_005960.2 (MANE Select); coding-DNA position 8304, C replaced by T.
Protein change: p.Pro2768=; no amino-acid change (proline 2768 retained).
Molecular consequence: synonymous variant.
Genome position (GRCh38, 1-based): chr7:100,960,083, C>T. VCF-style: chr7-100960083-C-T. GRCh37 (hg19) VCF-style: chr7-100552212-C-T.
Identifiers: ClinVar variation 2657793 (VCV002657793.24), dbSNP rs755010363, ClinGen allele CA4397863.